The following is an entry in ClinVar:

ClinVar aggregate classification (germline): Pathogenic/Likely pathogenic. Review status: criteria provided, multiple submitters, no conflicts (2 of 4 stars). 4 submissions from 4 submitters: Pathogenic (2); Likely pathogenic (2). Last evaluated 2024-06-17.

Conditions:
Intellectual developmental disorder, autosomal recessive 13. Also called: Intellectual disability, autosomal recessive 13. Identifiers: Orphanet 88616, MedGen C2750791, MONDO:0013173, OMIM 613192.

Allele frequency attached by ClinVar (database versions not stated): gnomAD exomes 0.00001 and 0.00002; gnomAD 0.00001; ExAC 0.00001; TOPMed 0.00002.
gnomAD v4.1: 27 of 1,614,046 alleles (0.0017%); highest among the groups gnomAD compares: Non-Finnish European, 0.0021%; no homozygotes.

Submissions (4):

Labcorp Genetics (formerly Invitae), Labcorp
Classification: Pathogenic. Last evaluated: 2024-06-17. Review status: criteria provided, single submitter. Criteria: Invitae Variant Classification Sherloc (09022015). Collection method: clinical testing. Allele origin: germline.
Comment: This sequence change creates a premature translational stop signal (p.Glu1050*) in the TRAPPC9 gene. It is expected to result in an absent or disrupted protein product. Loss-of-function variants in TRAPPC9 are known to be pathogenic (PMID: 2000476, 20004763, 20004764). This variant is present in population databases (rs766614772, gnomAD 0.003%). This variant has not been reported in the literature in individuals affected with TRAPPC9-related conditions. ClinVar contains an entry for this variant (Variation ID: 446015). For these reasons, this variant has been classified as Pathogenic.

GeneDx
Classification: Likely pathogenic. Last evaluated: 2022-12-04. Review status: criteria provided, single submitter. Criteria: GeneDx Variant Classification Process June 2021. Collection method: clinical testing. Allele origin: germline. Affected: yes.
Comment: Reported in the heterozygous state without a second TRAPPC9 variant in an individual with ambiguous genitalia (Jacobson et al., 2020); Nonsense variant predicted to result in protein truncation or nonsense mediated decay in a gene for which loss of function is a known mechanism of disease; Not observed at significant frequency in large population cohorts (gnomAD); This variant is associated with the following publications: (PMID: 32010941)

Baylor Genetics
Classification: Pathogenic for Intellectual developmental disorder, autosomal recessive 13. Last evaluated: 2018-03-01. Review status: criteria provided, single submitter. Criteria: ACMG Guidelines, 2015. Collection method: clinical testing. Allele origin: unknown. Affected: yes.
Comment: This variant was determined to be pathogenic according to ACMG Guidelines, 2015 [PMID:25741868].

Center for Pediatric Genomic Medicine, Children's Mercy Hospital and Clinics
Classification: Likely pathogenic. Last evaluated: 2017-08-03. Review status: criteria provided, single submitter. Criteria: ACMG Guidelines, 2015. Collection method: clinical testing. Allele origin: germline.

Literature cited by the submitters: PubMed 2000476 (cited by Labcorp Genetics (formerly Invitae), Labcorp); PubMed 20004763 (cited by Labcorp Genetics (formerly Invitae), Labcorp); PubMed 20004764 (cited by Labcorp Genetics (formerly Invitae), Labcorp).

NM_001160372.4(TRAPPC9):c.2854G>T (p.Glu952Ter)

Gene: TRAPPC9 (trafficking protein particle complex subunit 9; minus strand). Cytogenetic location: 8q24.3.
Variant type: single nucleotide variant.
Coding change: c.2854G>T on transcript NM_001160372.4 (MANE Select); coding-DNA position 2854, G replaced by T.
Protein change: p.Glu952Ter; replaces glutamic acid 952 with a stop codon.
Molecular consequence: nonsense. On other transcripts: non-coding transcript variant (1).
Genome position (GRCh38, 1-based): chr8:139,910,257, C>A on the plus strand (G>T on the coding strand, the complement: TRAPPC9 is on the minus strand). VCF-style: chr8-139910257-C-A. GRCh37 (hg19) VCF-style: chr8-140922501-C-A.
Other names: c.2827G>T, p.Glu943Ter (NM_001321646.2); c.2875G>T, p.Glu959Ter (NM_001374682.1); c.2743G>T, p.Glu915Ter (NM_001374683.1); c.2710G>T, p.Glu904Ter (NM_001374684.1); c.2854G>T, p.Glu952Ter (NM_031466.8); short protein forms E952*, E943*, E904*, E915*, E959*.
Identifiers: ClinVar variation 446015 (VCV000446015.7), dbSNP rs766614772, ClinGen allele CA4892898.